The following is an entry in ClinVar:

ClinVar aggregate classification (germline): Benign (1 of 4 stars; one submission).

Conditions:
Cleidocranial dysostosis (CLCD1). Also called: cleidocranial dysplasia 1; Marie-Sainton disease; Cleidocranial Dysplasia Spectrum Disorder. Identifiers: Orphanet 1452, MedGen C0008928, MONDO:0007340, OMIM 119600.

Allele frequency attached by ClinVar (database versions not stated): gnomAD 0.00016 and 0.00029; TOPMed 0.00029; gnomAD exomes 0.00078; 1000 Genomes Project 0.00120; 1000 Genomes Project 30x 0.00187.
gnomAD v4.1: 230 of 391,832 alleles (0.059%); highest among the groups gnomAD compares: East Asian, 0.78%; 1 homozygote.

Submission:

Illumina Laboratory Services, Illumina
Classification: Benign for Cleidocranial dysostosis. Last evaluated: 2018-01-13. Review status: criteria provided, single submitter. Criteria: ICSL Variant Classification Criteria 13 December 2019. Collection method: clinical testing. Allele origin: germline.
Comment: This variant was observed in the ICSL laboratory as part of a predisposition screen in an ostensibly healthy population. It had not been previously curated by ICSL or reported in the Human Gene Mutation Database (HGMD: prior to June 1st, 2018), and was therefore a candidate for classification through an automated scoring system. Utilizing variant allele frequency, disease prevalence and penetrance estimates, and inheritance mode, an automated score was calculated to assess if this variant is too frequent to cause the disease. Based on the score and internal cut-off values, a variant classified as benign is not then subjected to further curation. The score for this variant resulted in a classification of benign for this disease.

NM_001024630.4(RUNX2):c.*2274C>T

Gene: RUNX2 (RUNX family transcription factor 2; plus strand). Cytogenetic location: 6p21.1.
Variant type: single nucleotide variant.
Coding change: c.*2274C>T on transcript NM_001024630.4 (MANE Select); 2274 bases downstream of the stop codon, C replaced by T.
Molecular consequence: 3 prime UTR variant.
Genome position (GRCh38, 1-based): chr6:45,549,579, C>T. VCF-style: chr6-45549579-C-T. GRCh37 (hg19) VCF-style: chr6-45517316-C-T.
Other names: c.*2274C>T (NM_001015051.4, NM_001278478.2, NM_001369405.1).
Identifiers: ClinVar variation 357123 (VCV000357123.5), dbSNP rs186219428, ClinGen allele CA10626967.
Genomic context (GRCh38, chr6:45,549,579, plus strand): 5'-AGGAAGTAGTAATTGATACTATTTATTGTTTGTGTGTGGTAGCTTGAAGCACACCACTGT[C>T]CATTTATTTGTAAGTGTAAAATATGTGTGTTTGTTTCAGCAGCACTTAAAAAAGCCAGTG-3'